The following is an entry in ClinVar:

NM_012144.4(DNAI1):c.316del (p.Gln106fs)

Gene: DNAI1 (dynein axonemal intermediate chain 1; plus strand). Cytogenetic location: 9p13.3.
Variant type: Deletion.
Coding change: c.316del on transcript NM_012144.4 (MANE Select); coding-DNA position 316, one base deleted (C; older notation c.316delC).
Protein change: p.Gln106fs; shifts the reading frame from glutamine 106.
Molecular consequence: frameshift variant.
Genome position (GRCh38, 1-based): chr9:34,489,377, C deleted; the last of 3 consecutive C bases (chr9:34,489,375-34,489,377); deleting any one gives the same sequence. VCF-style (leftmost placement, unchanged base first): chr9-34489374-AC-A. GRCh37 (hg19) VCF-style: chr9-34489372-AC-A.
Other names: c.316del, p.Gln106fs (NM_001281428.2); short protein forms Q106fs.
Identifiers: ClinVar variation 4066870 (VCV004066870.2).

ClinVar aggregate classification (germline): Likely pathogenic (1 of 4 stars; one submission).

Conditions:
Primary ciliary dyskinesia. Also called: Ciliary dyskinesia. Identifiers: Orphanet 244, MedGen C0008780, MONDO:0016575, HP:0012265.

Submission:

Natera, Inc.
Classification: Likely pathogenic for Primary ciliary dyskinesia. Last evaluated: 2025-05-17. Review status: criteria provided, single submitter. Criteria: Natera Variant Classification Schema (03/2026). Collection method: clinical testing. Allele origin: germline.
Comment: The c.316del variant in DNAI1 is a frameshift variant predicted to shift the reading frame beginning at codon 106 and leads to a stop codon 5 codons downstream. This variant is expected to result in nonsense mediated decay, truncation, or a dysfunctional protein product. This variant is rare in the general population with a frequency below the threshold expected for the associated phenotype(s). Given the available evidence, this variant is classified as Likely Pathogenic.